The following is an entry in ClinVar:

NM_001042492.3(NF1):c.5223C>G (p.His1741Gln)

Gene: NF1 (neurofibromin 1; plus strand). Cytogenetic location: 17q11.2.
Variant type: single nucleotide variant.
Coding change: c.5223C>G on transcript NM_001042492.3 (MANE Select); coding-DNA position 5223, C replaced by G.
Protein change: p.His1741Gln; replaces histidine 1741 with glutamine.
Molecular consequence: missense variant.
Genome position (GRCh38, 1-based): chr17:31,326,207, C>G. VCF-style: chr17-31326207-C-G. GRCh37 (hg19) VCF-style: chr17-29653225-C-G.
Other names: c.5160C>G, p.His1720Gln (NM_000267.4); short protein forms H1720Q, H1741Q.
Identifiers: ClinVar variation 3237819 (VCV003237819.1), dbSNP rs2508698342.

ClinVar aggregate classification (germline): Uncertain significance (1 of 4 stars; one submission).

Conditions:
Hereditary cancer-predisposing syndrome. Also called: Neoplastic Syndromes, Hereditary; Tumor predisposition; Hereditary neoplastic syndrome; Hereditary Cancer Syndrome. Identifiers: Orphanet 140162, MedGen C0027672, MeSH D009386, MONDO:0015356.
Cardiovascular phenotype. Identifiers: MedGen CN230736.

Submission:

Ambry Genetics
Classification: Uncertain significance for Cardiovascular phenotype; Hereditary cancer-predisposing syndrome. Last evaluated: 2023-08-23. Review status: criteria provided, single submitter. Criteria: Ambry Variant Classification Scheme 2023. Collection method: clinical testing. Allele origin: germline.
Comment: The p.H1720Q variant (also known as c.5160C>G), located in coding exon 36 of the NF1 gene, results from a C to G substitution at nucleotide position 5160. The histidine at codon 1720 is replaced by glutamine, an amino acid with highly similar properties. This amino acid position is highly conserved in available vertebrate species. In addition, this alteration is predicted to be tolerated by in silico analysis. Since supporting evidence is limited at this time, the clinical significance of this alteration remains unclear.